The following is an entry in ClinVar:

NM_139125.4(MASP1):c.992_993del (p.Thr331fs)

Gene: MASP1 (MBL associated serine protease 1; minus strand). Cytogenetic location: 3q27.3.
Variant type: Microsatellite.
Coding change: c.992_993del on transcript NM_139125.4 (MANE Select); coding-DNA positions 992 to 993, 2 bases deleted (CA; older notation c.992_993delCA).
Protein change: p.Thr331fs; shifts the reading frame from threonine 331.
Molecular consequence: frameshift variant. On other transcripts: non-coding transcript variant (1).
Genome position (GRCh38, 1-based): chr3:187,251,652-187,251,653, TG deleted on the plus strand (CA on the coding strand, the reverse complement: MASP1 is on the minus strand); deleting any 2 consecutive bases within chr3:187,251,652-187,251,656 gives the same sequence; the c. name uses the placement nearest the transcript's 3' end. VCF-style (leftmost placement, unchanged base first): chr3-187251651-CTG-C. GRCh37 (hg19) VCF-style: chr3-186969439-CTG-C.
Other names: c.992_993del, p.Thr331fs (NM_001031849.3, NM_001879.6); short protein forms T331fs.
Identifiers: ClinVar variation 931999 (VCV000931999.3), dbSNP rs749073173, ClinGen allele CA2749455.

ClinVar aggregate classification (germline): Likely pathogenic (1 of 4 stars; one submission).

Conditions:
3MC syndrome 1. Also called: MICHELS SYNDROME; CRANIOSYNOSTOSIS WITH LID ANOMALIES; OCULOPALATOSKELETAL SYNDROME. Identifiers: Orphanet 293843, MedGen C0796059, MONDO:0009770, OMIM 257920.

Submission:

Centre for Mendelian Genomics, University Medical Centre Ljubljana
Classification: Likely pathogenic for 3MC syndrome 1. Last evaluated: 2016-01-01. Review status: criteria provided, single submitter. Criteria: ACMG Guidelines, 2015. Collection method: clinical testing. Allele origin: unknown. Affected: yes.
Comment: This variant was classified as: Likely pathogenic. The following ACMG criteria were applied in classifying this variant: PVS1,PM2.